The following is an entry in ClinVar:

NM_032802.4(SPPL2A):c.583T>A (p.Leu195Met)

Gene: SPPL2A (signal peptide peptidase like 2A; minus strand). Cytogenetic location: 15q21.2.
Variant type: single nucleotide variant.
Coding change: c.583T>A on transcript NM_032802.4 (MANE Select); coding-DNA position 583, T replaced by A.
Protein change: p.Leu195Met; replaces leucine 195 with methionine.
Molecular consequence: missense variant.
Genome position (GRCh38, 1-based): chr15:50,747,496, A>T on the plus strand (T>A on the coding strand, the complement: SPPL2A is on the minus strand). VCF-style: chr15-50747496-A-T. GRCh37 (hg19) VCF-style: chr15-51039693-A-T.
Other names: short protein forms L195M.
Identifiers: ClinVar variation 2523658 (VCV002523658.5), dbSNP rs752620935, ClinGen allele CA7558479.
Genomic context (GRCh38, chr15:50,747,496, plus strand): 5'-AATGATTGCAGAAATTTTTAACCATTTATTACAAAAACGCTTAAGTTAATTAAACTTACA[A>T]TTCAACTAGTCCACTCCAGTATCCACCTAATGCCACAGTGAACACCGCAATTACAAAAAT-3'
Protein context (NP_116191.2, residues 185-205): LGGYWSGLVE[Leu195Met]ENLKAVTTED

ClinVar aggregate classification (germline): Uncertain significance. Review status: criteria provided, multiple submitters, no conflicts (2 of 4 stars). 2 submissions from 2 submitters: Uncertain significance (2). Last evaluated 2025-12-30.

Allele frequency attached by ClinVar (database versions not stated): ExAC 0.00002.
gnomAD v4.1: 51 of 1,598,618 alleles (0.0032%); highest among the groups gnomAD compares: Non-Finnish European, 0.0041%; no homozygotes.

Submissions (2):

Labcorp Genetics (formerly Invitae), Labcorp
Classification: Uncertain significance. Last evaluated: 2025-12-30. Review status: criteria provided, single submitter. Criteria: Invitae Variant Classification Sherloc (09022015). Collection method: clinical testing. Allele origin: germline.
Comment: This sequence change replaces leucine, which is neutral and non-polar, with methionine, which is neutral and non-polar, at codon 195 of the SPPL2A protein (p.Leu195Met). This variant is present in population databases (rs752620935, gnomAD 0.004%). This variant has not been reported in the literature in individuals affected with SPPL2A-related conditions. ClinVar contains an entry for this variant (Variation ID: 2523658). An algorithm developed to predict the effect of missense changes on protein structure and function (PolyPhen-2) suggests that this variant is likely to be tolerated. In summary, the available evidence is currently insufficient to determine the role of this variant in disease. Therefore, it has been classified as a Variant of Uncertain Significance.

Ambry Genetics
Classification: Uncertain significance. Last evaluated: 2023-04-13. Review status: criteria provided, single submitter. Criteria: Ambry Variant Classification Scheme 2023. Collection method: clinical testing. Allele origin: germline.